The following is an entry in ClinVar:

NM_152562.4(CDCA2):c.128C>T (p.Pro43Leu)

Gene: CDCA2 (cell division cycle associated 2; plus strand). Cytogenetic location: 8p21.2.
Variant type: single nucleotide variant.
Coding change: c.128C>T on transcript NM_152562.4 (MANE Select); coding-DNA position 128, C replaced by T.
Protein change: p.Pro43Leu; replaces proline 43 with leucine.
Molecular consequence: missense variant.
Genome position (GRCh38, 1-based): chr8:25,460,450, C>T. VCF-style: chr8-25460450-C-T. GRCh37 (hg19) VCF-style: chr8-25317966-C-T.
Other names: c.83C>T, p.Pro28Leu (NM_001317906.1); c.128C>T, p.Pro43Leu (NM_001317907.1); short protein forms P28L, P43L.
Identifiers: ClinVar variation 2658493 (VCV002658493.24), dbSNP rs145990893, ClinGen allele CA4684080.

ClinVar aggregate classification (germline): Likely benign (1 of 4 stars; one submission).

Allele frequency attached by ClinVar (database versions not stated): 1000 Genomes Project 30x 0.00031; 1000 Genomes Project 0.00040; TOPMed 0.00146; gnomAD 0.00149; ExAC 0.00153; ESP Exome Variant Server 0.00208.
gnomAD v4.1: 3,314 of 1,614,094 alleles (0.21%); highest among the groups gnomAD compares: Non-Finnish European, 0.24%; 4 homozygotes.

Submission:

CeGaT Center for Human Genetics Tuebingen
Classification: Likely benign. Last evaluated: 2022-06-01. Review status: criteria provided, single submitter. Criteria: CeGaT Center For Human Genetics Tuebingen Variant Classification Criteria Version 2. Collection method: clinical testing. Allele origin: germline. Affected: yes. Observed: 1 variant allele.
Comment: CDCA2: BP4